The following is an entry in ClinVar:

ClinVar aggregate classification (germline): Uncertain significance (1 of 4 stars; one submission).

Submission:

Labcorp Genetics (formerly Invitae), Labcorp
Classification: Uncertain significance. Last evaluated: 2024-03-16. Review status: criteria provided, single submitter. Criteria: Invitae Variant Classification Sherloc (09022015). Collection method: clinical testing. Allele origin: germline.
Comment: This sequence change replaces arginine, which is basic and polar, with threonine, which is neutral and polar, at codon 575 of the CACNA2D4 protein (p.Arg575Thr). This variant is not present in population databases (gnomAD no frequency). This variant has not been reported in the literature in individuals affected with CACNA2D4-related conditions. ClinVar contains an entry for this variant (Variation ID: 1035165). An algorithm developed to predict the effect of missense changes on protein structure and function (PolyPhen-2) suggests that this variant is likely to be tolerated. In summary, the available evidence is currently insufficient to determine the role of this variant in disease. Therefore, it has been classified as a Variant of Uncertain Significance.

NM_172364.5(CACNA2D4):c.1724G>C (p.Arg575Thr)

Gene: CACNA2D4 (calcium voltage-gated channel auxiliary subunit alpha2delta 4; minus strand). Cytogenetic location: 12p13.33.
Variant type: single nucleotide variant.
Coding change: c.1724G>C on transcript NM_172364.5 (MANE Select); coding-DNA position 1724, G replaced by C.
Protein change: p.Arg575Thr; replaces arginine 575 with threonine.
Molecular consequence: missense variant.
Genome position (GRCh38, 1-based): chr12:1,875,333, C>G on the plus strand (G>C on the coding strand, the complement: CACNA2D4 is on the minus strand). VCF-style: chr12-1875333-C-G. GRCh37 (hg19) VCF-style: chr12-1984499-C-G.
Other names: short protein forms R575T.
Identifiers: ClinVar variation 1035165 (VCV001035165.8), dbSNP rs779454476, ClinGen allele CA383351607.
Genomic context (GRCh38, chr12:1,875,333, plus strand): 5'-TCCACTTCGGAGAGATCCACACTGTTGTAGTTAGGTTTGGGTTTTAGTTTCTTCCCCTCT[C>G]TGTACTGGAGTGGGCAGGTCAGGAAGAAAAACATGTGGTCAGTATACGTCCTGCTCAAGT-3'
Protein context (NP_758952.4, residues 565-585): LSHPDLRPLY[Arg575Thr]EGKKLKPKPN